The following is an entry in ClinVar:

ClinVar aggregate classification (germline): Conflicting classifications of pathogenicity. Review status: criteria provided, conflicting classifications (1 of 4 stars). 12 submissions from 12 submitters: Pathogenic (1); Likely pathogenic (2); Uncertain significance (9). Last evaluated 2025-12-20.

Conditions:
Cardiovascular phenotype. Identifiers: MedGen CN230736.
Cardiomyopathy (CMYO). Also called: Cardiomyopathies. Identifiers: Orphanet 167848, MedGen C0878544, MONDO:0004994, HP:0001638. Inheritance: Various modes of inheritance.
Dilated cardiomyopathy 1S (CMD1S). Identifiers: Orphanet 154, Orphanet 54260, MedGen C1834481, MONDO:0013262, OMIM 613426.
Primary dilated cardiomyopathy (DCM). Also called: Dilated Cardiomyopathy. Identifiers: Orphanet 217604, MedGen C0007193, MeSH D002311, MONDO:0005021, HP:0001644. Inheritance: Various modes of inheritance.
Hypertrophic cardiomyopathy. Also called: HYPERTROPHIC MYOCARDIOPATHY. Identifiers: Orphanet 217569, MedGen C0007194, MeSH D002312, MONDO:0005045, HP:0001639.

Allele frequency attached by ClinVar (database versions not stated): ExAC 0.00001; gnomAD exomes 0.00002; gnomAD 0.00003 and 0.00004; TOPMed 0.00005.
gnomAD v4.1: 28 of 1,612,200 alleles (0.0017%); highest among the groups gnomAD compares: Admixed American, 0.0033%; no homozygotes.

Submissions (12):

Labcorp Genetics (formerly Invitae), Labcorp
Classification: Pathogenic for Hypertrophic cardiomyopathy. Last evaluated: 2025-12-20. Review status: criteria provided, single submitter. Criteria: Invitae Variant Classification Sherloc (09022015). Collection method: clinical testing. Allele origin: germline.
Comment: This sequence change replaces aspartic acid, which is acidic and polar, with asparagine, which is neutral and polar, at codon 1450 of the MYH7 protein (p.Asp1450Asn). This variant is present in population databases (rs397516211, gnomAD 0.003%). This missense change has been observed in individual(s) with dilated or hypertrophic cardiomyopathy (PMID: 22464770, 27532257, 27600940, 31638223, 32746448, 33996946, 35050212). In at least one individual the variant was observed to be de novo. ClinVar contains an entry for this variant (Variation ID: 43009). Invitae Evidence Modeling of protein sequence and biophysical properties (such as structural, functional, and spatial information, amino acid conservation, physicochemical variation, residue mobility, and thermodynamic stability) indicates that this missense variant is expected to disrupt MYH7 protein function with a positive predictive value of 95%. For these reasons, this variant has been classified as Pathogenic.

OLLIN Analises Genomicas, OLLIN
Classification: Likely pathogenic for Dilated cardiomyopathy 1S. Last evaluated: 2025-10-17. Review status: criteria provided, single submitter. Criteria: ACMG Guidelines 2015 PMID 25741868. Collection method: clinical testing. Allele origin: germline. Affected: yes. Observed: 1 variant allele.
Comment: The missense variant (chr14:23417508C>T), located in exon 31 (of 40), is reported in ClinVar (VCV000043009.65), in gnomAD v4.1 non-UKB with an allele frequency of 0.00308%, and in the scientific literature, also being identified de novo in individuals with dilated or hypertrophic cardiomyopathy (PMID: 35050212, 22464770, 27532257, 27600940, 31638223, 32746448, 33996946). In silico analysis is inconclusive regarding the impact of this variant. According to the currently available evidence and the specific ClinGen criteria for the gene (PMID: 29300372), this variant has been classified as likely pathogenic (PS2, PS4_P, PM2_P).

Color Diagnostics, LLC DBA Color Health
Classification: Likely pathogenic for Cardiomyopathy. Last evaluated: 2025-07-07. Review status: criteria provided, single submitter. Criteria: ACMG Guidelines, 2015. Collection method: clinical testing. Allele origin: germline.
Comment: This missense variant replaces aspartic acid with asparagine at codon 1450 in the LMM domain of the MYH7 protein. Computational prediction tool is inconclusive regarding the impact of this variant on protein structure and function. To our knowledge, functional studies have not been reported for this variant. This variant has been reported in at least six individuals affected with hypertrophic cardiomyopathy (PMID: 27600940, 33297573, 35050212, 36788754, 38489124)in one case, this variant occurred de novo in the family (PMID: 35050212). This variant has also been reported in two individuals affected with dilated cardiomyopathy (PMID: 24503780, 32746448). This variant has been identified in 4/251352 chromosomes in the general population by the Genome Aggregation Database (gnomAD). Based on the available evidence, this variant is classified as Likely Pathogenic.

Ambry Genetics
Classification: Uncertain significance for Cardiovascular phenotype. Last evaluated: 2025-03-11. Review status: criteria provided, single submitter. Criteria: Ambry Variant Classification Scheme 2023. Collection method: clinical testing. Allele origin: germline.
Comment: The p.D1450N variant (also known as c.4348G>A), located in coding exon 29 of the MYH7 gene, results from a G to A substitution at nucleotide position 4348. The aspartic acid at codon 1450 is replaced by asparagine, an amino acid with highly similar properties. This alteration has been reported in both dilated cardiomyopathy and hypertrophic cardiomyopathy cohorts; however, clinical details were limited in some cases (Lakdawala NK et al. J. Card. Fail. 2012;18:296-303; Cecconi M et al. Int. J. Mol. Med. 2016;38:1111-24; Alamo L et al. Elife, 2017 06;6; Wang B et al. Mol Med Rep, 2019 Dec;20:5229-5238; Micheu MM et al. Diagnostics (Basel), 2020 Dec;10; Burstein DS et al. Pediatr Res, 2021 05;89:1470-1476; Pezzoli L et al. J Cardiovasc Dev Dis, 2021 Dec;9; Sepp R et al. Diagnostics (Basel). 2022 May;12(5); Ambry internal data). This amino acid position is highly conserved in available vertebrate species. In addition, this alteration is predicted to be tolerated by in silico analysis. Since supporting evidence is limited at this time, the clinical significance of this alteration remains unclear.

3billion
Classification: Uncertain significance for Dilated cardiomyopathy 1S. Last evaluated: 2024-09-09. Review status: criteria provided, single submitter. Criteria: ACMG Guidelines, 2015. Collection method: clinical testing. Allele origin: germline. Affected: yes.
Comment: The variant is observed at an extremely low frequency in the gnomAD v4.0.0 dataset (total allele frequency: 0.002%). Predicted Consequence/Location: Missense variant In silico tool predictions suggest damaging effect of the variant on gene or gene product [REVEL: 0.63 (>=0.6, sensitivity 0.68 and specificity 0.92); 3Cnet: 0.99 (>=0.6, sensitivity 0.72 and precision 0.9)]. The same nucleotide change resulting in the same amino acid change has been previously reported to be associated with MYH7 related disorder (ClinVar ID: VCV000043009 /PMID: 22464770). However, the evidence of pathogenicity is insufficient at this time. Therefore, this variant is classified as VUS according to the recommendation of ACMG/AMP guideline.

Blueprint Genetics
Classification: Uncertain significance. Last evaluated: 2024-08-14. Review status: criteria provided, single submitter. Criteria: ACMG Guidelines, 2015. Collection method: clinical testing. Allele origin: germline.

All of Us Research Program, National Institutes of Health
Classification: Uncertain significance for Cardiomyopathy. Last evaluated: 2024-01-11. Review status: criteria provided, single submitter. Criteria: ACMG Guidelines, 2015. Collection method: clinical testing. Allele origin: germline. Inheritance: Autosomal dominant inheritance. Observed: 11 variant alleles, 11 heterozygotes.
Comment: This missense variant replaces aspartic acid with asparagine at codon 1450 of the MYH7 protein. Computational prediction is inconclusive regarding the impact of this variant on protein structure and function (internally defined REVEL score threshold 0.5 < inconclusive < 0.7, PMID: 27666373). To our knowledge, functional studies have not been reported for this variant. This variant has been reported in individuals affected with hypertrophic cardiomyopathy (PMID: 27600940, 33297573, 35050212); in one case, this variant occurred de novo in the family(PMID: 35050212). This variant has also been reported in individuals affected with dilated cardiomyopathy (PMID: 24503780, 32746448). This variant has been identified in 4/251352 chromosomes in the general population by the Genome Aggregation Database (gnomAD). The available evidence is insufficient to determine the role of this variant in disease conclusively. Therefore, this variant is classified as a Variant of Uncertain Significance.

This study involves interpretation of variants in research participants for the purpose of population health screening. Participant phenotype was not available at the time of variant classification. Additional details can be found in publication PMID: 35346344, PMCID: PMC8962531

Revvity Omics, Revvity
Classification: Uncertain significance. Last evaluated: 2022-06-15. Review status: criteria provided, single submitter. Criteria: ACMG Guidelines, 2015. Collection method: clinical testing. Allele origin: germline.

Institute of Human Genetics, University of Leipzig Medical Center
Classification: Uncertain significance for Dilated cardiomyopathy 1S. Last evaluated: 2022-02-17. Review status: criteria provided, single submitter. Criteria: ACMG Guidelines, 2015. Collection method: clinical testing. Allele origin: unknown. Affected: yes.
Comment: Despite strong evidence for its pathogenicity, this variant has to be classified as of unknown significance, according to the ACMG-criteria (Richards et al., 2015)_x000D_ Criteria applied: PS4_MOD, PM2_SUP, PP2, PP3

CeGaT Center for Human Genetics Tuebingen
Classification: Uncertain significance. Last evaluated: 2019-06-01. Review status: criteria provided, single submitter. Criteria: CeGaT Center For Human Genetics Tuebingen Variant Classification Criteria Version 2. Collection method: clinical testing. Allele origin: germline. Affected: yes. Observed: 1 variant allele.

Laboratory for Molecular Medicine, Mass General Brigham Personalized Medicine
Classification: Uncertain significance for Primary dilated cardiomyopathy. Last evaluated: 2019-04-04. Review status: criteria provided, single submitter. Criteria: ACMG Guidelines, 2015. Collection method: clinical testing. Allele origin: germline.
Comment: It has also been identified in 1 adult with HCM (ClinVar SCV000208589 + GeneDx, pers. comm.). This variant was identified in 1/66696 European chromosomes by the Exome Aggregation Consortium (ExAC; dbSNP rs397516211). Aspartic acid (Asp) at position 1450 is highly conserved in evolution and the change to asparagine (Asn) was predicted to be pathogenic using a computational tool clinically validated by our laboratory. This tool's pathogenic prediction is estimated to be correct 94% of the time (Jordan 2011). In summary, while there is some suspicion for a pathogenic role, the clinical significance of the p.Asp1450Asn variant is uncertain.

CHEO Genetics Diagnostic Laboratory, Children's Hospital of Eastern Ontario
Classification: Uncertain significance for Cardiomyopathy. Last evaluated: 2018-09-13. Review status: criteria provided, single submitter. Criteria: ACMG Guidelines, 2015. Collection method: clinical testing. Allele origin: germline.

Literature cited by the submitters: PubMed 22464770 (cited by 5 submitters); PubMed 27532257 (cited by 3 submitters); PubMed 27600940 (cited by 5 submitters); PubMed 31638223 (cited by 3 submitters); PubMed 32746448 (cited by 5 submitters); PubMed 33996946 (cited by 3 submitters); PubMed 35050212 (cited by 5 submitters); PubMed 29300372 (cited by OLLIN Analises Genomicas, OLLIN); PubMed 24503780 (cited by 3 submitters); PubMed 33297573 (cited by 3 submitters); PubMed 36788754 (cited by Color Diagnostics, LLC DBA Color Health and Ambry Genetics); PubMed 38489124 (cited by Color Diagnostics, LLC DBA Color Health); PubMed 28606303 (cited by Ambry Genetics); PubMed 32815737 (cited by Ambry Genetics); PubMed 34542152 (cited by Ambry Genetics); PubMed 35626289 (cited by Ambry Genetics).

NM_000257.4(MYH7):c.4348G>A (p.Asp1450Asn)

Genes: MHRT (myosin heavy chain associated RNA transcript; plus strand), MYH7 (myosin heavy chain 7; minus strand). Cytogenetic location: 14q11.2.
Variant type: single nucleotide variant.
Coding change: c.4348G>A on transcript NM_000257.4 (MANE Select); coding-DNA position 4348, G replaced by A.
Protein change: p.Asp1450Asn; replaces aspartic acid 1450 with asparagine.
Molecular consequence: missense variant.
Genome position (GRCh38, 1-based): chr14:23,417,508, C>T on the plus strand (G>A on the coding strand, the complement: MYH7 is on the minus strand). VCF-style: chr14-23417508-C-T. GRCh37 (hg19) VCF-style: chr14-23886717-C-T.
Other names: short protein forms D1450N.
Identifiers: ClinVar variation 43009 (VCV000043009.71), dbSNP rs397516211, ClinGen allele CA014834.